The following is an entry in ClinVar:

NM_001999.4(FBN2):c.8501dup (p.Tyr2834Ter)

Gene: FBN2 (fibrillin 2; minus strand). Cytogenetic location: 5q23.3.
Variant type: Duplication.
Coding change: c.8501dup on transcript NM_001999.4 (MANE Select); coding-DNA position 8501, one base duplicated (A; older notation c.8501dupA).
Protein change: p.Tyr2834Ter; replaces tyrosine 2834 with a stop codon.
Molecular consequence: nonsense.
Genome position (GRCh38, 1-based): chr5:128,259,693, T duplicated on the plus strand (A on the coding strand, the reverse complement: FBN2 is on the minus strand). VCF-style (leftmost placement, unchanged base first): chr5-128259692-A-AT. GRCh37 (hg19) VCF-style: chr5-127595384-A-AT.
Other names: short protein forms Y2834*.
Identifiers: ClinVar variation 411816 (VCV000411816.9), dbSNP rs1060503503, ClinGen allele CA16611894.

ClinVar aggregate classification (germline): Uncertain significance (1 of 4 stars; one submission).

Conditions:
Congenital contractural arachnodactyly (CCA). Also called: BEALS SYNDROME; Arthrogryposis, distal, type 9; Beals-Hecht syndrome. Identifiers: Orphanet 115, MedGen C0220668, MONDO:0007363, OMIM 121050.

Submission:

Labcorp Genetics (formerly Invitae), Labcorp
Classification: Uncertain significance for Congenital contractural arachnodactyly. Last evaluated: 2017-04-16. Review status: criteria provided, single submitter. Criteria: Invitae Variant Classification Sherloc (09022015). Collection method: clinical testing. Allele origin: germline.
Comment: In summary, this is a novel truncation with uncertain impact on protein function. It has been classified as a Variant of Uncertain Significance. This variant has not been reported in the literature in individuals with a FBN2-related disease. This sequence change inserts one nucleotide in exon 65 of the FBN2 mRNA (c.8501dupA), causing a frameshift at codon 2834. This creates a premature translational stop signal in the last exon of the FBN2 mRNA (p.Tyr2834*). While this is not anticipated to result in nonsense mediated decay, it is expected to delete the last 79 amino acids of the FBN2 protein. Experimental studies have not been reported for this truncating variant and it is currently unknown if the last 79 of the FBN2 protein are critical for its function.